The following is an entry in ClinVar:

NM_015231.3(NUP160):c.2977T>A (p.Ser993Thr)

Gene: NUP160 (nucleoporin 160; minus strand). Cytogenetic location: 11p11.2.
Variant type: single nucleotide variant.
Coding change: c.2977T>A on transcript NM_015231.3 (MANE Select); coding-DNA position 2977, T replaced by A.
Protein change: p.Ser993Thr; replaces serine 993 with threonine.
Molecular consequence: missense variant. On other transcripts: non-coding transcript variant (1).
Genome position (GRCh38, 1-based): chr11:47,798,175, A>T on the plus strand (T>A on the coding strand, the complement: NUP160 is on the minus strand). VCF-style: chr11-47798175-A-T. GRCh37 (hg19) VCF-style: chr11-47819727-A-T.
Other names: c.3079T>A (NM_015231.1); short protein forms S993T.
Identifiers: ClinVar variation 2176841 (VCV002176841.4), dbSNP rs936125416, ClinGen allele CA221746301.

ClinVar aggregate classification (germline): Uncertain significance. Review status: criteria provided, multiple submitters, no conflicts (2 of 4 stars). 2 submissions from 2 submitters: Uncertain significance (2). Last evaluated 2024-11-25.

Allele frequency attached by ClinVar (database versions not stated): gnomAD exomes below 0.00001; gnomAD 0.00002; TOPMed 0.00002.
gnomAD v4.1: 5 of 1,609,752 alleles (0.00031%); highest among the groups gnomAD compares: African/African-American, 0.0067%; no homozygotes.

Submissions (2):

Ambry Genetics
Classification: Uncertain significance. Last evaluated: 2024-11-25. Review status: criteria provided, single submitter. Criteria: Ambry Variant Classification Scheme 2023. Collection method: clinical testing. Allele origin: germline.

Labcorp Genetics (formerly Invitae), Labcorp
Classification: Uncertain significance. Last evaluated: 2024-02-05. Review status: criteria provided, single submitter. Criteria: Invitae Variant Classification Sherloc (09022015). Collection method: clinical testing. Allele origin: germline.
Comment: This sequence change replaces serine, which is neutral and polar, with threonine, which is neutral and polar, at codon 1027 of the NUP160 protein (p.Ser1027Thr). This variant is present in population databases (no rsID available, gnomAD 0.02%). This variant has not been reported in the literature in individuals affected with NUP160-related conditions. ClinVar contains an entry for this variant (Variation ID: 2176841). An algorithm developed to predict the effect of missense changes on protein structure and function (PolyPhen-2) suggests that this variant¬†is likely to be tolerated. In summary, the available evidence is currently insufficient to determine the role of this variant in disease. Therefore, it has been classified as a Variant of Uncertain Significance.